The following is an entry in ClinVar:

NM_006767.4(LZTR1):c.1591G>T (p.Asp531Tyr)

Gene: LZTR1 (leucine zipper like post translational regulator 1; plus strand). Cytogenetic location: 22q11.21.
Variant type: single nucleotide variant.
Coding change: c.1591G>T on transcript NM_006767.4 (MANE Select); coding-DNA position 1591, G replaced by T.
Protein change: p.Asp531Tyr; replaces aspartic acid 531 with tyrosine.
Molecular consequence: missense variant.
Genome position (GRCh38, 1-based): chr22:20,994,245, G>T. VCF-style: chr22-20994245-G-T. GRCh37 (hg19) VCF-style: chr22-21348534-G-T.
Other names: short protein forms D531Y.
Identifiers: ClinVar variation 1775933 (VCV001775933.8), dbSNP rs138615487, ClinGen allele CA410776167.

ClinVar aggregate classification (germline): Uncertain significance. Review status: criteria provided, multiple submitters, no conflicts (2 of 4 stars). 3 submissions from 3 submitters: Uncertain significance (3). Last evaluated 2025-12-23.

Conditions:
Cardiovascular phenotype. Identifiers: MedGen CN230736.
Hereditary cancer-predisposing syndrome. Also called: Neoplastic Syndromes, Hereditary; Tumor predisposition; Hereditary Cancer Syndrome; Hereditary neoplastic syndrome. Identifiers: Orphanet 140162, MedGen C0027672, MeSH D009386, MONDO:0015356.

Submissions (3):

Labcorp Genetics (formerly Invitae), Labcorp
Classification: Uncertain significance. Last evaluated: 2025-12-23. Review status: criteria provided, single submitter. Criteria: Invitae Variant Classification Sherloc (09022015). Collection method: clinical testing. Allele origin: germline.
Comment: This sequence change replaces aspartic acid, which is acidic and polar, with tyrosine, which is neutral and polar, at codon 531 of the LZTR1 protein (p.Asp531Tyr). This variant is not present in population databases (gnomAD no frequency). This variant has not been reported in the literature in individuals affected with LZTR1-related conditions. ClinVar contains an entry for this variant (Variation ID: 1775933). Invitae Evidence Modeling of protein sequence and biophysical properties (such as structural, functional, and spatial information, amino acid conservation, physicochemical variation, residue mobility, and thermodynamic stability) indicates that this missense variant is not expected to disrupt LZTR1 protein function with a negative predictive value of 80%. In summary, the available evidence is currently insufficient to determine the role of this variant in disease. Therefore, it has been classified as a Variant of Uncertain Significance.

GeneDx
Classification: Uncertain significance. Last evaluated: 2024-07-01. Review status: criteria provided, single submitter. Criteria: GeneDx Variant Classification Process June 2021. Collection method: clinical testing. Allele origin: germline. Affected: yes.
Comment: Not observed at significant frequency in large population cohorts (gnomAD); In silico analysis supports that this missense variant has a deleterious effect on protein structure/function; Has not been previously published as pathogenic or benign to our knowledge

Ambry Genetics
Classification: Uncertain significance for Cardiovascular phenotype; Hereditary cancer-predisposing syndrome. Last evaluated: 2021-12-13. Review status: criteria provided, single submitter. Criteria: Ambry Variant Classification Scheme 2023. Collection method: clinical testing. Allele origin: germline.
Comment: The p.D531Y variant (also known as c.1591G>T), located in coding exon 14 of the LZTR1 gene, results from a G to T substitution at nucleotide position 1591. The aspartic acid at codon 531 is replaced by tyrosine, an amino acid with highly dissimilar properties. This amino acid position is highly conserved in available vertebrate species. In addition, this alteration is predicted to be deleterious by in silico analysis. Since supporting evidence is limited at this time, the clinical significance of this alteration remains unclear.